The following is an entry in ClinVar:

ClinVar aggregate classification (germline): Benign (1 of 4 stars; one submission).

Allele frequency attached by ClinVar (database versions not stated): gnomAD 0.00101 and 0.00078; 1000 Genomes Project 30x 0.00203; 1000 Genomes Project 0.00240; TOPMed 0.00078.

Submission:

CeGaT Center for Human Genetics Tuebingen
Classification: Benign. Last evaluated: 2022-10-01. Review status: criteria provided, single submitter. Criteria: CeGaT Center For Human Genetics Tuebingen Variant Classification Criteria Version 2. Collection method: clinical testing. Allele origin: germline. Affected: yes. Observed: 1 variant allele.
Comment: NAGLU: BS1, BS2

NC_000017.11:g.42536106G>T

Gene: NAGLU (N-acetyl-alpha-glucosaminidase; plus strand). Cytogenetic location: 17q21.2.
Variant type: single nucleotide variant.
Genome position: GRCh38 VCF-style: chr17-42536106-G-T. GRCh37 (hg19) VCF-style: chr17-40688124-G-T.
Identifiers: ClinVar variation 323287 (VCV000323287.29), dbSNP rs145830042, ClinGen allele CA10645689.